The following is an entry in ClinVar:

ClinVar aggregate classification (germline): Uncertain significance (1 of 4 stars; one submission).

gnomAD v4.1: 2 of 1,614,082 alleles (0.00012%); highest among the groups gnomAD compares: Non-Finnish European, 0.00017%; no homozygotes.

Submission:

Labcorp Genetics (formerly Invitae), Labcorp
Classification: Uncertain significance. Last evaluated: 2024-08-27. Review status: criteria provided, single submitter. Criteria: Invitae Variant Classification Sherloc (09022015). Collection method: clinical testing. Allele origin: germline.
Comment: This sequence change replaces valine, which is neutral and non-polar, with alanine, which is neutral and non-polar, at codon 201 of the ABCB6 protein (p.Val201Ala). This variant is not present in population databases (gnomAD no frequency). This variant has not been reported in the literature in individuals affected with ABCB6-related conditions. An algorithm developed to predict the effect of missense changes on protein structure and function (PolyPhen-2) suggests that this variant is likely to be tolerated. In summary, the available evidence is currently insufficient to determine the role of this variant in disease. Therefore, it has been classified as a Variant of Uncertain Significance.

NM_005689.4(ABCB6):c.602T>C (p.Val201Ala)

Gene: ABCB6 (ATP binding cassette subfamily B member 6 (LAN blood group); minus strand). Cytogenetic location: 2q35.
Variant type: single nucleotide variant.
Coding change: c.602T>C on transcript NM_005689.4 (MANE Select); coding-DNA position 602, T replaced by C.
Protein change: p.Val201Ala; replaces valine 201 with alanine.
Molecular consequence: missense variant. On other transcripts: intron variant (1).
Genome position (GRCh38, 1-based): chr2:219,217,755, A>G on the plus strand (T>C on the coding strand, the complement: ABCB6 is on the minus strand). VCF-style: chr2-219217755-A-G. GRCh37 (hg19) VCF-style: chr2-220082477-A-G.
Other names: c.549+370T>C (NM_001349828.2); short protein forms V201A.
Identifiers: ClinVar variation 3663452 (VCV003663452.2).